The following is an entry in ClinVar:

ClinVar aggregate classification (germline): Likely pathogenic (1 of 4 stars; one submission).

Conditions:
Charcot-Marie-Tooth disease axonal type 2F (CMT2F). Also called: CHARCOT-MARIE-TOOTH DISEASE, NEURONAL, TYPE 2F; Charcot-Marie-Tooth Neuropathy Type 2F. Identifiers: Orphanet 99940, MedGen C1847823, MONDO:0011687, OMIM 606595.

Submission:

Labcorp Genetics (formerly Invitae), Labcorp
Classification: Likely pathogenic for Charcot-Marie-Tooth disease axonal type 2F. Last evaluated: 2017-04-17. Review status: criteria provided, single submitter. Criteria: Invitae Variant Classification Sherloc (09022015). Collection method: clinical testing. Allele origin: germline.
Comment: A different missense variant downstream of this variant (p.P182L) has been determined to be pathogenic (PMID: 15122254, 23728742, 28077174). This suggests that deletion of this region of the HSPB1 protein is causative of disease. In summary, this variant is a novel nonsense change that is expected to delete 28 amino acids of HSPB1 important for the protein function. This evidence indicates that the variant is pathogenic, but additional data is needed to prove that conclusively. Therefore, this variant has been classified as Likely Pathogenic. This variant is not present in population databases (ExAC no frequency) and has not been reported in the literature in individuals with a HSPB1-related disease. This sequence change results in a premature translational stop signal in the last exon of the HSPB1 mRNA at codon 178 (p.Glu178*). While this is not anticipated to result in nonsense mediated decay, it is expected to delete the last 28 amino acids of the HSPB1 protein.

Literature cited by the submitters: PubMed 15122254; PubMed 23728742; PubMed 28077174.

NM_001540.5(HSPB1):c.532G>T (p.Glu178Ter)

Gene: HSPB1 (heat shock protein family B (small) member 1; plus strand). Cytogenetic location: 7q11.23.
Variant type: single nucleotide variant.
Coding change: c.532G>T on transcript NM_001540.5 (MANE Select); coding-DNA position 532, G replaced by T.
Protein change: p.Glu178Ter; replaces glutamic acid 178 with a stop codon.
Molecular consequence: nonsense.
Genome position (GRCh38, 1-based): chr7:76,304,087, G>T. VCF-style: chr7-76304087-G-T. GRCh37 (hg19) VCF-style: chr7-75933404-G-T.
Other names: c.532G>T (LRG_248t1); short protein forms E178*.
Identifiers: ClinVar variation 465276 (VCV000465276.7), dbSNP rs150110356, ClinGen allele CA367766252.
Genomic context (GRCh38, chr7:76,304,087, plus strand): 5'-TCCCCTGAGGGCACACTGACCGTGGAGGCCCCCATGCCCAAGCTAGCCACGCAGTCCAAC[G>T]AGATCACCATCCCAGTCACCTTCGAGTCGCGGGCCCAGCTTGGGGGCCCAGAAGCTGCAA-3'